The following is an entry in ClinVar:

NM_001378418.1(TCF20):c.5725C>T (p.His1909Tyr)

Gene: TCF20 (transcription factor 20; minus strand). Cytogenetic location: 22q13.2.
Variant type: single nucleotide variant.
Coding change: c.5725C>T on transcript NM_001378418.1 (MANE Select); coding-DNA position 5725, C replaced by T.
Protein change: p.His1909Tyr; replaces histidine 1909 with tyrosine.
Molecular consequence: missense variant.
Genome position (GRCh38, 1-based): chr22:42,179,633, G>A on the plus strand (C>T on the coding strand, the complement: TCF20 is on the minus strand). VCF-style: chr22-42179633-G-A. GRCh37 (hg19) VCF-style: chr22-42575639-G-A.
Other names: c.5725C>T, p.His1909Tyr (NM_005650.4, NM_181492.3); short protein forms H1909Y.
Identifiers: ClinVar variation 590780 (VCV000590780.5), dbSNP rs1569110700, ClinGen allele CA411776264.

ClinVar aggregate classification (germline): Pathogenic/Likely pathogenic. Review status: criteria provided, multiple submitters, no conflicts (2 of 4 stars). 3 submissions from 3 submitters: Pathogenic (1); Likely pathogenic (1). 1 of the submissions does not count toward it. Last evaluated 2025-02-11.

Conditions:
Neurodevelopmental abnormality. Identifiers: MedGen C4022737, HP:0012759.
Developmental delay with variable intellectual impairment and behavioral abnormalities. Identifiers: MedGen C5193092, MONDO:0032745, OMIM 618430.
Hypotonia. Also called: Muscular hypotonia; poor muscle tone. Identifiers: MedGen C0026827, HP:0001252.
Neurodevelopmental delay. Identifiers: MedGen C4022738, HP:0012758.
Autistic behavior. Identifiers: MedGen C0856975, HP:0000729.
Attention deficit hyperactivity disorder (ADHD). Also called: Attention-Deficit/Hyperactivity Disorder. Identifiers: MedGen C1263846, MONDO:0007743, HP:0007018.

Submissions (3):

Clinical Genetics Laboratory, University Hospital Schleswig-Holstein
Classification: Likely pathogenic for Developmental delay with variable intellectual impairment and behavioral abnormalities. Last evaluated: 2025-02-11. Review status: criteria provided, single submitter. Criteria: ACMG Guidelines, 2015. Collection method: clinical testing. Allele origin: germline. Affected: yes. Observed: 1 heterozygote.
Comment: ACMG criteria applied: PM2, PM6, PS4_Supporting, PP3, PM1_Supporting

GeneDx
Classification: Pathogenic for Neurodevelopmental abnormality. Last evaluated: 2018-11-14. Review status: criteria provided, single submitter. Criteria: GeneDx Variant Classification (06012015). Collection method: clinical testing. Allele origin: de novo. Affected: yes.

The Division of Genetics and Genomic Medicine, Washington University School of Medicine
Classification: Likely pathogenic for Neurodevelopmental delay; Hypotonia; Autistic behavior; Attention deficit hyperactivity disorder. Last evaluated: 2018-11-12. Review status: no assertion criteria provided. Collection method: clinical testing. Allele origin: de novo. Affected: yes. Observed: 1 heterozygote. Not counted in ClinVar's aggregate classification.
Comment: The p.H1909Y is de novo and the associated phenotype is consistent with a cohort of patients with pathogenic variants in this gene.